The following is an entry in ClinVar:

ClinVar aggregate classification (germline): Uncertain significance (1 of 4 stars; one submission).

Conditions:
Gastrointestinal stromal tumor. Also called: Gastrointestinal stromal tumor, somatic; Gastrointestinal stroma tumor. Identifiers: Orphanet 44890, MedGen C0238198, MeSH D046152, MONDO:0011719, OMIM 606764, HP:0100723.

Submission:

Labcorp Genetics (formerly Invitae), Labcorp
Classification: Uncertain significance for Gastrointestinal stromal tumor. Last evaluated: 2021-05-03. Review status: criteria provided, single submitter. Criteria: Invitae Variant Classification Sherloc (09022015). Collection method: clinical testing. Allele origin: germline.
Comment: In summary, the available evidence is currently insufficient to determine the role of this variant in disease. Therefore, it has been classified as a Variant of Uncertain Significance. Algorithms developed to predict the effect of missense changes on protein structure and function (SIFT, PolyPhen-2, Align-GVGD) all suggest that this variant is likely to be tolerated, but these predictions have not been confirmed by published functional studies and their clinical significance is uncertain. This variant has not been reported in the literature in individuals with KIT-related disease. This variant is not present in population databases (ExAC no frequency). This sequence change replaces histidine with tyrosine at codon 345 of the KIT protein (p.His345Tyr). The histidine residue is moderately conserved and there is a moderate physicochemical difference between histidine and tyrosine.

NM_000222.3(KIT):c.1033C>T (p.His345Tyr)

Gene: KIT (KIT proto-oncogene, receptor tyrosine kinase; plus strand). Cytogenetic location: 4q12.
Variant type: single nucleotide variant.
Coding change: c.1033C>T on transcript NM_000222.3 (MANE Select); coding-DNA position 1033, C replaced by T.
Protein change: p.His345Tyr; replaces histidine 345 with tyrosine.
Molecular consequence: missense variant.
Genome position (GRCh38, 1-based): chr4:54,707,205, C>T. VCF-style: chr4-54707205-C-T. GRCh37 (hg19) VCF-style: chr4-55573371-C-T.
Other names: c.1033C>T, p.His345Tyr (NM_001093772.2, NM_001385285.1, NM_001385286.1); c.1036C>T, p.His346Tyr (NM_001385284.1, NM_001385288.1, NM_001385290.1 and 1 more transcripts); short protein forms H345Y, H346Y.
Identifiers: ClinVar variation 571852 (VCV000571852.9), dbSNP rs1560401964, ClinGen allele CA356901005.